The following is an entry in ClinVar:

NM_003119.4(SPG7):c.1296G>A (p.Thr432=)

Gene: SPG7 (SPG7 matrix AAA peptidase subunit, paraplegin; plus strand). Cytogenetic location: 16q24.3.
Variant type: single nucleotide variant.
Coding change: c.1296G>A on transcript NM_003119.4 (MANE Select); coding-DNA position 1296, G replaced by A.
Protein change: p.Thr432=; no amino-acid change (threonine 432 retained).
Molecular consequence: synonymous variant.
Genome position (GRCh38, 1-based): chr16:89,532,608, G>A. VCF-style: chr16-89532608-G-A. GRCh37 (hg19) VCF-style: chr16-89599016-G-A.
Other names: c.1296G>A, p.Thr432= (NM_199367.3, NM_001363850.1).
Identifiers: ClinVar variation 2647109 (VCV002647109.27), dbSNP rs748012134, ClinGen allele CA8244025.
Genomic context (GRCh38, chr16:89,532,608, plus strand): 5'-GGTGGGCAAGAAGCGCTCCACCACCATGTCCGGCTTCTCCAACACGGAGGAGGAGCAGAC[G>A]CTCAACCAGCTTCTGGTAGAAATGGATGGTCAGTGCTCGTGCGCCCCGCACCCCCATTGC-3'
Protein context (NP_003110.1, residues 422-442): SGFSNTEEEQ[Thr432=]LNQLLVEMDG

ClinVar aggregate classification (germline): Likely benign. Review status: criteria provided, multiple submitters, no conflicts (2 of 4 stars). 2 submissions from 2 submitters: Likely benign (2). Last evaluated 2023-04-13.

Conditions:
Hereditary spastic paraplegia 7 (SPG7). Also called: Spastic paraplegia 7; Hereditary spastic paraplegia Paraplegin type; Autosomal recessive spastic paraplegia type 7; SPASTIC PARAPLEGIA 7, AUTOSOMAL RECESSIVE, WITH OR WITHOUT CEREBELLAR ATAXIA; SPG7-related neurologic disorder. Identifiers: Orphanet 99013, MedGen C1846564, MONDO:0011803, OMIM 607259.

Allele frequency attached by ClinVar (database versions not stated): gnomAD exomes 0.00001; TOPMed 0.00001; ExAC 0.00002; gnomAD 0.00003.
gnomAD v4.1: 17 of 1,613,546 alleles (0.0011%); highest among the groups gnomAD compares: East Asian, 0.0045%; no homozygotes.

Submissions (2):

Labcorp Genetics (formerly Invitae), Labcorp
Classification: Likely benign for Hereditary spastic paraplegia 7. Last evaluated: 2023-04-13. Review status: criteria provided, single submitter. Criteria: Invitae Variant Classification Sherloc (09022015). Collection method: clinical testing. Allele origin: germline.

CeGaT Center for Human Genetics Tuebingen
Classification: Likely benign. Last evaluated: 2022-05-01. Review status: criteria provided, single submitter. Criteria: CeGaT Center For Human Genetics Tuebingen Variant Classification Criteria Version 2. Collection method: clinical testing. Allele origin: germline. Affected: yes. Observed: 1 variant allele.
Comment: SPG7: BP4, BP7